The following is an entry in ClinVar:

ClinVar aggregate classification (germline): Likely pathogenic (1 of 4 stars; one submission).

Conditions:
Polycystic kidney disease, adult type (PKD1). Also called: POLYCYSTIC KIDNEY DISEASE, ADULT, TYPE I; Polycystic Kidney Disease 1, Autosomal Dominant; Polycystic kidney disease 1; Polycystic kidney disease 1, severe; Polycystic Kidney, Autosomal Dominant; POLYCYSTIC KIDNEY DISEASE 1 WITH OR WITHOUT POLYCYSTIC LIVER DISEASE. Identifiers: MedGen C3149841, MONDO:0008263, OMIM 173900.

Submission:

Laboratorio de Genetica e Diagnostico Molecular, Hospital Israelita Albert Einstein
Classification: Likely pathogenic for Polycystic kidney disease, adult type. Last evaluated: 2023-10-27. Review status: criteria provided, single submitter. Criteria: ACMG Guidelines, 2015. Collection method: clinical testing. Allele origin: germline. Affected: yes.
Comment: ACMG classification criteria: PVS1 very strong, PM2 moderate

NM_001009944.3(PKD1):c.6056del (p.Val2019fs)

Gene: PKD1 (polycystin 1, transient receptor potential channel interacting; minus strand). Cytogenetic location: 16p13.3.
Variant type: Deletion.
Coding change: c.6056del on transcript NM_001009944.3 (MANE Select); coding-DNA position 6056, one base deleted (T; older notation c.6056delT).
Protein change: p.Val2019fs; shifts the reading frame from valine 2019.
Molecular consequence: frameshift variant.
Genome position (GRCh38, 1-based): chr16:2,109,111, A deleted on the plus strand (T on the coding strand, the reverse complement: PKD1 is on the minus strand). VCF-style (leftmost placement, unchanged base first): chr16-2109110-GA-G. GRCh37 (hg19) VCF-style: chr16-2159111-GA-G.
Other names: c.6056del, p.Val2019fs (NM_000296.4); short protein forms V2019fs.
Identifiers: ClinVar variation 4056731 (VCV004056731.1).